The following is an entry in ClinVar:

ClinVar aggregate classification (germline): Pathogenic. Review status: criteria provided, multiple submitters, no conflicts (2 of 4 stars). 2 submissions from 2 submitters: Pathogenic (2). Last evaluated 2024-06-13.

Conditions:
Hereditary angioedema type 1 (HAE1). Identifiers: Orphanet 100050, Orphanet 100051, Orphanet 91378, MedGen C2717906, MONDO:0015053, OMIM 106100.
C1 inhibitor deficiency. Identifiers: MedGen C1852700, MONDO:0007361, OMIM 120790.

Submissions (2):

Fulgent Genetics
Classification: Pathogenic for Hereditary angioedema type 1; C1 inhibitor deficiency. Last evaluated: 2024-06-13. Review status: criteria provided, single submitter. Criteria: ACMG Guidelines, 2015. Collection method: clinical testing. Allele origin: germline.

Department of Immunology and Histocompatibility, University of Thessaly
Classification: Pathogenic for Hereditary angioedema type 1. Review status: criteria provided, single submitter. Criteria: ACMG Guidelines, 2015. Collection method: clinical testing. Allele origin: germline. Affected: yes. Observed: 1 variant allele.
Comment: The c.106_107delAG (p.Ser36Phefs*21) variant has been previously reported in association with hereditary angioedema in the literature (Verpy et al., 1996) and in HAE database. It causes interruption of the reading frame by the formation of a termination codon (*21aa) which results in a truncated protein. It has never been detected in approximately 120000 individuals of the Exome Aggregation Consortium (ExAC), indicating that it is not a common variant. Taking all the above into account and according to ACMG Guidelines (Criteria: PVS1, PM2, PM4, PP4) the variant is considered pathogenic.

NM_000062.3(SERPING1):c.106_107del (p.Ser36fs)

Gene: SERPING1 (serpin family G member 1; plus strand). Cytogenetic location: 11q12.1.
Variant type: Microsatellite.
Coding change: c.106_107del on transcript NM_000062.3 (MANE Select); coding-DNA positions 106 to 107, 2 bases deleted (AG; older notation c.106_107delAG).
Protein change: p.Ser36fs; shifts the reading frame from serine 36.
Molecular consequence: frameshift variant.
Genome position (GRCh38, 1-based): chr11:57,599,933-57,599,934, AG deleted; deleting any 2 consecutive bases within chr11:57,599,929-57,599,934 gives the same sequence; the c. name uses the placement nearest the transcript's 3' end. VCF-style (leftmost placement, unchanged base first): chr11-57599928-CAG-C. GRCh37 (hg19) VCF-style: chr11-57367401-CAG-C.
Other names: c.106_107del, p.Ser36fs (NM_001032295.2); c.106_107delAG (NM_000062.2); short protein forms S36fs.
Identifiers: ClinVar variation 626349 (VCV000626349.3), dbSNP rs1590822296, ClinGen allele CA913190266.
Genomic context (GRCh38, chr11:57,599,928, plus strand): 5'-TTGAACCACAGGATAGAGCCTCCTCAAATCCAAATGCTACCAGCTCCAGCTCCCAGGATC[CAG>C]AGAGTTTGCAAGACAGAGGCGAAGGGAAGGTCGCAACAACAGTTATCTCCAAGATGCTAT-3'